The following is an entry in ClinVar:

NM_001367561.1(DOCK7):c.1328G>T (p.Gly443Val)

Gene: DOCK7 (dedicator of cytokinesis 7; minus strand). Cytogenetic location: 1p31.3.
Variant type: single nucleotide variant.
Coding change: c.1328G>T on transcript NM_001367561.1 (MANE Select); coding-DNA position 1328, G replaced by T.
Protein change: p.Gly443Val; replaces glycine 443 with valine.
Molecular consequence: missense variant.
Genome position (GRCh38, 1-based): chr1:62,625,356, C>A on the plus strand (G>T on the coding strand, the complement: DOCK7 is on the minus strand). VCF-style: chr1-62625356-C-A. GRCh37 (hg19) VCF-style: chr1-63091027-C-A.
Other names: c.1328G>T, p.Gly443Val (NM_001271999.2, NM_001272000.2, NM_001272001.2 and 3 more transcripts); c.1328G>T (NM_033407.2); short protein forms G443V.
Identifiers: ClinVar variation 660477 (VCV000660477.10), dbSNP rs1571818407, ClinGen allele CA340617076.
Genomic context (GRCh38, chr1:62,625,356, plus strand): 5'-CGAAAGCTCGTCAAGTTACAAGCATCATCTCCACTTGTTGTCCTTTCAAGTGATCGTCTG[C>A]CAACAATACTAGAATTCCTCCTCTCTGACCAAGACCCTTTTCGTTCTACAAAAGAATTAA-3'
Protein context (NP_001354490.1, residues 433-453): WSERRNSSIV[Gly443Val]RRSLERTTSG

ClinVar aggregate classification (germline): Uncertain significance. Review status: criteria provided, multiple submitters, no conflicts (2 of 4 stars). 2 submissions from 2 submitters: Uncertain significance (2). Last evaluated 2024-10-25.

Conditions:
Inborn genetic diseases. Identifiers: MedGen C0950123, MeSH D030342.
Developmental and epileptic encephalopathy, 23 (DEE23). Also called: Epileptic encephalopathy, early infantile, 23. Identifiers: Orphanet 411986, MedGen C4014492, MONDO:0014371, OMIM 615859.

Submissions (2):

Ambry Genetics
Classification: Uncertain significance for Inborn genetic diseases. Last evaluated: 2024-10-25. Review status: criteria provided, single submitter. Criteria: Ambry Variant Classification Scheme 2023. Collection method: clinical testing. Allele origin: germline.

Labcorp Genetics (formerly Invitae), Labcorp
Classification: Uncertain significance for Developmental and epileptic encephalopathy, 23. Last evaluated: 2018-09-20. Review status: criteria provided, single submitter. Criteria: Invitae Variant Classification Sherloc (09022015). Collection method: clinical testing. Allele origin: germline.
Comment: This variant is not present in population databases (ExAC no frequency). In summary, the available evidence is currently insufficient to determine the role of this variant in disease. Therefore, it has been classified as a Variant of Uncertain Significance. Algorithms developed to predict the effect of missense changes on protein structure and function are either unavailable or do not agree on the potential impact of this missense change (SIFT: "Deleterious"; PolyPhen-2: "Benign"; Align-GVGD: "Class C0"). This variant has not been reported in the literature in individuals with DOCK7-related disease. This sequence change replaces glycine with valine at codon 443 of the DOCK7 protein (p.Gly443Val). The glycine residue is moderately conserved and there is a moderate physicochemical difference between glycine and valine.